The following is an entry in ClinVar:

NM_006440.5(TXNRD2):c.553A>G (p.Ile185Val)

Gene: TXNRD2 (thioredoxin reductase 2; minus strand). Cytogenetic location: 22q11.21.
Variant type: single nucleotide variant.
Coding change: c.553A>G on transcript NM_006440.5 (MANE Select); coding-DNA position 553, A replaced by G.
Protein change: p.Ile185Val; replaces isoleucine 185 with valine.
Molecular consequence: missense variant. On other transcripts: non-coding transcript variant (1).
Genome position (GRCh38, 1-based): chr22:19,915,252, T>C on the plus strand (A>G on the coding strand, the complement: TXNRD2 is on the minus strand). VCF-style: chr22-19915252-T-C. GRCh37 (hg19) VCF-style: chr22-19902775-T-C.
Other names: c.553A>G, p.Ile185Val (NM_001282512.3); c.550A>G, p.Ile184Val (NM_001352300.2); c.463A>G, p.Ile155Val (NM_001352301.2); c.265A>G, p.Ile89Val (NM_001352302.2); c.457A>G, p.Ile153Val (NM_001352303.2); short protein forms I185V, I155V, I184V, I89V, I153V.
Identifiers: ClinVar variation 1914058 (VCV001914058.5), dbSNP rs1051972970, ClinGen allele CA322105161.

ClinVar aggregate classification (germline): Uncertain significance (1 of 4 stars; one submission).

Conditions:
Primary dilated cardiomyopathy (DCM). Also called: Dilated Cardiomyopathy. Identifiers: Orphanet 217604, MedGen C0007193, MeSH D002311, MONDO:0005021, HP:0001644. Inheritance: Various modes of inheritance.

Allele frequency attached by ClinVar (database versions not stated): TOPMed below 0.00001; gnomAD 0.00001; gnomAD exomes 0.00001.
gnomAD v4.1: 12 of 1,613,624 alleles (0.00074%); highest among the groups gnomAD compares: Non-Finnish European, 0.00093%; no homozygotes.

Submission:

Labcorp Genetics (formerly Invitae), Labcorp
Classification: Uncertain significance for Primary dilated cardiomyopathy. Last evaluated: 2022-05-01. Review status: criteria provided, single submitter. Criteria: Invitae Variant Classification Sherloc (09022015). Collection method: clinical testing. Allele origin: germline.
Comment: In summary, the available evidence is currently insufficient to determine the role of this variant in disease. Therefore, it has been classified as a Variant of Uncertain Significance. Algorithms developed to predict the effect of missense changes on protein structure and function (SIFT, PolyPhen-2, Align-GVGD) all suggest that this variant is likely to be tolerated. This variant has not been reported in the literature in individuals affected with TXNRD2-related conditions. This variant is not present in population databases (gnomAD no frequency). This sequence change replaces isoleucine, which is neutral and non-polar, with valine, which is neutral and non-polar, at codon 185 of the TXNRD2 protein (p.Ile185Val).